The following is an entry in ClinVar:

NM_005207.4(CRKL):c.677C>T (p.Ala226Val)

Gene: CRKL (CRK like proto-oncogene, adaptor protein; plus strand). Cytogenetic location: 22q11.21.
Variant type: single nucleotide variant.
Coding change: c.677C>T on transcript NM_005207.4 (MANE Select); coding-DNA position 677, C replaced by T.
Protein change: p.Ala226Val; replaces alanine 226 with valine.
Molecular consequence: missense variant. On other transcripts: non-coding transcript variant (1).
Genome position (GRCh38, 1-based): chr22:20,934,144, C>T. VCF-style: chr22-20934144-C-T. GRCh37 (hg19) VCF-style: chr22-21288432-C-T.
Other names: c.677C>T (NM_005207.3); short protein forms A226V.
Identifiers: ClinVar variation 1896738 (VCV001896738.7), dbSNP rs756451346, ClinGen allele CA10117388.

ClinVar aggregate classification (germline): Conflicting classifications of pathogenicity. Review status: criteria provided, conflicting classifications (1 of 4 stars). 3 submissions from 3 submitters: Uncertain significance (2); Likely benign (1). Last evaluated 2026-09-01.

Allele frequency attached by ClinVar (database versions not stated): ExAC 0.00001; gnomAD 0.00001; gnomAD exomes 0.00001; TOPMed 0.00001.
gnomAD v4.1: 18 of 1,614,110 alleles (0.0011%); highest among the groups gnomAD compares: Admixed American, 0.025%; no homozygotes.

Submissions (3):

CeGaT Center for Human Genetics Tuebingen
Classification: Likely benign. Last evaluated: 2026-09-01. Review status: criteria provided, single submitter. Criteria: CeGaT Center For Human Genetics Tuebingen Variant Classification Criteria Version 2. Collection method: clinical testing. Allele origin: germline. Affected: yes. Observed: 1 variant allele.
Comment: CRKL: BP4

Ambry Genetics
Classification: Uncertain significance. Last evaluated: 2025-07-02. Review status: criteria provided, single submitter. Criteria: Ambry Variant Classification Scheme 2023. Collection method: clinical testing. Allele origin: germline.

Labcorp Genetics (formerly Invitae), Labcorp
Classification: Uncertain significance. Last evaluated: 2025-02-23. Review status: criteria provided, single submitter. Criteria: Invitae Variant Classification Sherloc (09022015). Collection method: clinical testing. Allele origin: germline.
Comment: This sequence change replaces alanine, which is neutral and non-polar, with valine, which is neutral and non-polar, at codon 226 of the CRKL protein (p.Ala226Val). This variant is present in population databases (rs756451346, gnomAD 0.03%). This variant has not been reported in the literature in individuals affected with CRKL-related conditions. ClinVar contains an entry for this variant (Variation ID: 1896738). An algorithm developed to predict the effect of missense changes on protein structure and function outputs the following: PolyPhen-2: "Benign". The valine amino acid residue is found in multiple mammalian species, which suggests that this missense change does not adversely affect protein function. In summary, the available evidence is currently insufficient to determine the role of this variant in disease. Therefore, it has been classified as a Variant of Uncertain Significance.